The following is an entry in ClinVar:

NM_001349253.2(SCN11A):c.5144A>G (p.Asn1715Ser)

Gene: SCN11A (sodium voltage-gated channel alpha subunit 11; minus strand). Cytogenetic location: 3p22.2.
Variant type: single nucleotide variant.
Coding change: c.5144A>G on transcript NM_001349253.2 (MANE Select); coding-DNA position 5144, A replaced by G.
Protein change: p.Asn1715Ser; replaces asparagine 1715 with serine.
Molecular consequence: missense variant.
Genome position (GRCh38, 1-based): chr3:38,846,926, T>C on the plus strand (A>G on the coding strand, the complement: SCN11A is on the minus strand). VCF-style: chr3-38846926-T-C. GRCh37 (hg19) VCF-style: chr3-38888417-T-C.
Other names: c.5144A>G, p.Asn1715Ser (NM_014139.3); short protein forms N1715S.
Identifiers: ClinVar variation 4789223 (VCV004789223.1).

ClinVar aggregate classification (germline): Uncertain significance (1 of 4 stars; one submission).

Conditions:
Familial episodic pain syndrome with predominantly lower limb involvement. Also called: Episodic pain syndrome, familial, 3. Identifiers: Orphanet 391384, Orphanet 391392, MedGen C3809899, MONDO:0014247, OMIM 615552.
Hereditary sensory and autonomic neuropathy type 7. Also called: HSAN VII; Neuropathy, hereditary sensory and autonomic, type VII. Identifiers: Orphanet 391397, MedGen C3809882, MONDO:0014244, OMIM 615548.

gnomAD v4.1: 37 of 1,614,040 alleles (0.0023%); highest among the groups gnomAD compares: African/African-American, 0.0053%; no homozygotes.

Submission:

Labcorp Genetics (formerly Invitae), Labcorp
Classification: Uncertain significance for Familial episodic pain syndrome with predominantly lower limb involvement; Hereditary sensory and autonomic neuropathy type 7. Last evaluated: 2025-07-01. Review status: criteria provided, single submitter. Criteria: Invitae Variant Classification Sherloc (09022015). Collection method: clinical testing. Allele origin: germline.
Comment: This sequence change replaces asparagine, which is neutral and polar, with serine, which is neutral and polar, at codon 1715 of the SCN11A protein (p.Asn1715Ser). This variant is present in population databases (rs765946372, gnomAD 0.003%). This variant has not been reported in the literature in individuals affected with SCN11A-related conditions. Invitae Evidence Modeling of protein sequence and biophysical properties (such as structural, functional, and spatial information, amino acid conservation, physicochemical variation, residue mobility, and thermodynamic stability) indicates that this missense variant is expected to disrupt SCN11A protein function with a positive predictive value of 80%. In summary, the available evidence is currently insufficient to determine the role of this variant in disease. Therefore, it has been classified as a Variant of Uncertain Significance.